The following is an entry in ClinVar:

ClinVar aggregate classification (germline): Pathogenic (1 of 4 stars; one submission).

Conditions:
Pyruvate kinase deficiency of red cells (CNSHA2). Also called: PK DEFICIENCY; PYRUVATE KINASE DEFICIENCY OF ERYTHROCYTE; Pyruvate kinase deficiency, Amish type. Identifiers: Orphanet 766, MedGen C0340968, MONDO:0009950, OMIM 266200.

Submission:

Victorian Clinical Genetics Services, Murdoch Childrens Research Institute
Classification: Pathogenic for Pyruvate kinase deficiency of red cells. Last evaluated: 2022-03-31. Review status: criteria provided, single submitter. Criteria: ACMG Guidelines, 2015. Collection method: clinical testing. Allele origin: germline. Inheritance: Autosomal recessive inheritance.
Comment: Based on the classification scheme VCGS_Germline_v1.3.4, this variant is classified as pathogenic. The following criteria are met: 0102 - Loss of function is a known mechanism of disease in this gene and is associated with pyruvate kinase deficiency (MIM#266200). (I) 0108 - This gene is associated with both recessive and dominant disease. Both dominant elevated adenosine triphosphate of erythrocytes (MIM#102900) and recessive pyruvate kinase deficiency (MIM#266200) have been associated with PKLR. However, most of the literature reports associate with the recessive condition. (I) 0211 - Canonical splice site variant without proven consequence on splicing (no functional evidence available) (intron 10 of 10). (SP) 0251 - This variant is heterozygous. (I) 0304 - Variant is present in gnomAD (v2) <0.01 for a recessive condition (1 heterozygote, 0 homozygotes). (SP) 0311 - An alternative nucleotide change at the same canonical splice site is present in gnomAD (v3) at a frequency of 0.000015 (1 heterozygote, 0 homozygotes). (I) 0505 - Abnormal splicing is predicted by in silico tools and affected nucleotide is highly conserved. (SP) 0803 - This variant has limited previous evidence of pathogenicity in an individual. This variant has previously been reported in compound heterozygous state in a patient with pyruvate kinase deficiency (PMID: 32043619). It was also identified as a heterozygous variant in a proband with hereditary spherocytosis due to SLC4A1 where this variant was thought to contribute to a more severe clinical presentation (PMID: 25388786). (SP) 0905 - No published segregation evidence has been identified for this variant. (I) 1002 - This variant has moderate functional evidence supporting abnormal protein function. Functional studies demonstrated the variant causes decreased pyruvate kinase activity (PMID: 25388786). (SP) 0703 - Two other canonical splice variants (c.1618+1G>C and c.1618+2T>C) comparable to the one identified in this case have moderate previous evidence for pathogenicity associated with pyruvate kinase deficiency (PMIDs: 16704447, 32036089, 34093240, 17382129).(SP) Legend: (SP) - Supporting pathogenic, (I) - Information, (SB) - Supporting benign

Literature cited by the submitters: PubMed 16704447; PubMed 17382129; PubMed 25388786; PubMed 32036089; PubMed 32043619; PubMed 34093240.

NM_000298.6(PKLR):c.1618+1del

Gene: PKLR (pyruvate kinase L/R; minus strand). Cytogenetic location: 1q22.
Variant type: Deletion.
Coding change: c.1618+1del on transcript NM_000298.6 (MANE Select); the canonical splice donor site of the intron after coding-DNA position 1618, one base deleted (G; older notation c.1618+1delG).
Molecular consequence: splice donor variant.
Genome position (GRCh38, 1-based): chr1:155,291,755, C deleted on the plus strand (G on the coding strand, the reverse complement: PKLR is on the minus strand); the first of 2 consecutive C bases (chr1:155,291,755-155,291,756); deleting either gives the same sequence. VCF-style (leftmost placement, unchanged base first): chr1-155291754-AC-A. GRCh37 (hg19) VCF-style: chr1-155261545-AC-A.
Other names: c.1618+1delG (NM_000298.6); c.1525+1del (NM_181871.4).
Identifiers: ClinVar variation 3376903 (VCV003376903.1).